The following is an entry in ClinVar:

ClinVar aggregate classification (germline): Likely pathogenic (1 of 4 stars; one submission).

Conditions:
Koolen-de Vries syndrome (KDVS). Identifiers: Orphanet 96169, MedGen C1864871, MONDO:0012496, OMIM 610443.

Submission:

3billion
Classification: Likely pathogenic for Koolen-de Vries syndrome. Last evaluated: 2022-01-03. Review status: criteria provided, single submitter. Criteria: ACMG Guidelines, 2015. Collection method: clinical testing. Allele origin: germline. Affected: yes. Observed: 1 heterozygote.
Comment: Frameshift: predicted to result in a loss or disruption of normal protein function through nonsense-mediated decay (NMD) or protein truncation. Multiple pathogenic variants are reported downstream of the variant (PVS1_VS). It is not observed in the gnomAD v2.1.1 dataset (PM2_M). Therefore, this variant is classified as likely pathogenic according to the recommendation of ACMG/AMP guideline.

NM_015443.4(KANSL1):c.1412_1413del (p.Lys471fs)

Gene: KANSL1 (KAT8 regulatory NSL complex subunit 1). Cytogenetic location: 17q21.31.
Variant type: Deletion.
Coding change: c.1412_1413del on transcript NM_015443.4 (MANE Select); coding-DNA positions 1412 to 1413, 2 bases deleted.
Protein change: p.Lys471fs; shifts the reading frame from lysine 471.
Molecular consequence: frameshift variant.
Genome position: GRCh38 VCF-style: chr17-46094577-GTT-G. GRCh37 (hg19) VCF-style: chr17-44171943-GTT-G.
Other names: c.1412_1413del, p.Lys471fs (NM_001193465.2, NM_001193466.2, NM_001379198.1); short protein forms K471fs.
Identifiers: ClinVar variation 1333224 (VCV001333224.1), dbSNP rs2146946828, ClinGen allele CA2573054463.